The following is an entry in ClinVar:

ClinVar aggregate classification (germline): Uncertain significance (1 of 4 stars; one submission).

Conditions:
Woodhouse-Sakati syndrome. Also called: Hypogonadism, Alopecia, Diabetes Mellitus, Mental Retardation, and Extrapyramidal Syndrome; Hypogonadism, diabetes mellitus, alopecia, mental retardation and electrocardiographic abnormalities; EXTRAPYRAMIDAL DISORDER, PROGRESSIVE, WITH PRIMARY HYPOGONADISM, MENTAL RETARDATION, AND ALOPECIA. Identifiers: Orphanet 3464, MedGen C0342286, MONDO:0009419, OMIM 241080.

Allele frequency attached by ClinVar (database versions not stated): gnomAD exomes below 0.00001.
gnomAD v4.1: 2 of 1,461,410 alleles (0.00014%); highest among the groups gnomAD compares: Middle Eastern, 0.022%; no homozygotes.

Submission:

Labcorp Genetics (formerly Invitae), Labcorp
Classification: Uncertain significance for Woodhouse-Sakati syndrome. Last evaluated: 2021-05-25. Review status: criteria provided, single submitter. Criteria: Invitae Variant Classification Sherloc (09022015). Collection method: clinical testing. Allele origin: germline.
Comment: This sequence change falls in intron 1 of the DCAF17 gene. It does not directly change the encoded amino acid sequence of the DCAF17 protein. It affects a nucleotide within the consensus splice site of the intron. The frequency data for this variant in the population databases is considered unreliable, as metrics indicate insufficient coverage at this position in the ExAC database. This variant has not been reported in the literature in individuals with DCAF17-related conditions. Nucleotide substitutions within the consensus splice site are a relatively common cause of aberrant splicing (PMID: 17576681, 9536098). Algorithms developed to predict the effect of sequence changes on RNA splicing suggest that this variant is not likely to affect RNA splicing, but this prediction has not been confirmed by published transcriptional studies. In summary, the available evidence is currently insufficient to determine the role of this variant in disease. Therefore, it has been classified as a Variant of Uncertain Significance.

Literature cited by the submitters: PubMed 17576681; PubMed 9536098.

NM_025000.4(DCAF17):c.126+6C>G

Genes: DCAF17 (DDB1 and CUL4 associated factor 17; plus strand), METTL8 (methyltransferase 8, tRNA N3-cytidine; minus strand). Cytogenetic location: 2q31.1.
Variant type: single nucleotide variant.
Coding change: c.126+6C>G on transcript NM_025000.4 (MANE Select); 6 bases into the intron after coding-DNA position 126, C replaced by G.
Molecular consequence: intron variant. On other transcripts: 5 prime UTR variant (4), non-coding transcript variant (1).
Genome position (GRCh38, 1-based): chr2:171,434,709, C>G. VCF-style: chr2-171434709-C-G. GRCh37 (hg19) VCF-style: chr2-172291219-C-G.
Other names: c.-28G>C (NM_001321157.2, NM_001321158.2, NM_001321161.2); c.-48G>C (NM_024770.5); c.126+6C>G (NM_001164821.2).
Identifiers: ClinVar variation 1364733 (VCV001364733.4), dbSNP rs959045013, ClinGen allele CA60805486.